The following is an entry in ClinVar:

NM_000256.3(MYBPC3):c.3297G>A (p.Gly1099=)

Gene: MYBPC3 (myosin binding protein C3; minus strand). Cytogenetic location: 11p11.2.
Variant type: single nucleotide variant.
Coding change: c.3297G>A on transcript NM_000256.3 (MANE Select); coding-DNA position 3297, G replaced by A.
Protein change: p.Gly1099=; no amino-acid change (glycine 1099 retained).
Molecular consequence: synonymous variant.
Genome position (GRCh38, 1-based): chr11:47,333,227, C>T on the plus strand (G>A on the coding strand, the complement: MYBPC3 is on the minus strand). VCF-style: chr11-47333227-C-T. GRCh37 (hg19) VCF-style: chr11-47354778-C-T.
Identifiers: ClinVar variation 704642 (VCV000704642.20), dbSNP rs371301665, ClinGen allele CA079272.
Genomic context (GRCh38, chr11:47,333,227, plus strand): 5'-CGTGGGGACCCCAGACCCTGGGCTCACCATGGTCTTCTTGTCGGCTTTCTGCACTGTGTA[C>T]CCCCAGAGCTCCGTGTTGCCGACATCCTGGGGTGGCTTCCACTCCAGAGCCACATTAAGA-3'
Protein context (NP_000247.2, residues 1089-1109): PQDVGNTELW[Gly1099=]YTVQKADKKT

ClinVar aggregate classification (germline): Likely benign. Review status: criteria provided, multiple submitters, no conflicts (2 of 4 stars). 7 submissions from 7 submitters: Likely benign (6). 1 of the submissions does not count toward it. Last evaluated 2026-01-22.

Conditions:
Cardiovascular phenotype. Identifiers: MedGen CN230736.
MYBPC3-related disorder. Also called: MYBPC3-related condition; MYBPC3-related disease; MYBPC3-related disorders.
Cardiomyopathy (CMYO). Also called: Cardiomyopathies. Identifiers: Orphanet 167848, MedGen C0878544, MONDO:0004994, HP:0001638. Inheritance: Various modes of inheritance.
Hypertrophic cardiomyopathy. Also called: HYPERTROPHIC MYOCARDIOPATHY. Identifiers: Orphanet 217569, MedGen C0007194, MeSH D002312, MONDO:0005045, HP:0001639.

Allele frequency attached by ClinVar (database versions not stated): gnomAD exomes 0.00002; ExAC 0.00003; gnomAD 0.00003 and 0.00004; TOPMed 0.00003; ESP Exome Variant Server 0.00008.
gnomAD v4.1: 14 of 1,596,382 alleles (0.00088%); highest among the groups gnomAD compares: African/African-American, 0.0013%; no homozygotes.

Submissions (7):

Labcorp Genetics (formerly Invitae), Labcorp
Classification: Likely benign for Hypertrophic cardiomyopathy. Last evaluated: 2026-01-22. Review status: criteria provided, single submitter. Criteria: Invitae Variant Classification Sherloc (09022015). Collection method: clinical testing. Allele origin: germline.

Blueprint Genetics
Classification: Likely benign. Last evaluated: 2024-11-27. Review status: criteria provided, single submitter. Criteria: ACMG Guidelines, 2015. Collection method: clinical testing. Allele origin: germline.

Ambry Genetics
Classification: Likely benign for Cardiovascular phenotype. Last evaluated: 2024-06-07. Review status: criteria provided, single submitter. Criteria: Ambry Variant Classification Scheme 2023. Collection method: clinical testing. Allele origin: germline.

All of Us Research Program, National Institutes of Health
Classification: Likely benign for Hypertrophic cardiomyopathy. Last evaluated: 2023-08-15. Review status: criteria provided, single submitter. Criteria: ACMG Guidelines, 2015. Collection method: clinical testing. Allele origin: germline. Inheritance: Autosomal dominant inheritance. Observed: 13 variant alleles, 13 heterozygotes.
Comment: This study involves interpretation of variants in research participants for the purpose of population health screening. Participant phenotype was not available at the time of variant classification. Additional details can be found in publication PMID: 35346344, PMCID: PMC8962531

GeneDx
Classification: Likely benign. Last evaluated: 2020-06-04. Review status: criteria provided, single submitter. Criteria: GeneDx Variant Classification Process June 2021. Collection method: clinical testing. Allele origin: germline. Affected: yes.

Color Diagnostics, LLC DBA Color Health
Classification: Likely benign for Cardiomyopathy. Last evaluated: 2019-01-20. Review status: criteria provided, single submitter. Criteria: ACMG Guidelines, 2015. Collection method: clinical testing. Allele origin: germline.

PreventionGenetics, part of Exact Sciences
Classification: Likely benign for MYBPC3-related condition. Last evaluated: 2020-10-23. Review status: no assertion criteria provided. Collection method: clinical testing. Allele origin: germline. Not counted in ClinVar's aggregate classification.
Comment: This variant is classified as likely benign based on ACMG/AMP sequence variant interpretation guidelines (Richards et al. 2015 PMID: 25741868, with internal and published modifications).